The following is an entry in ClinVar:

NM_000090.4(COL3A1):c.2247A>G (p.Pro749=)

Gene: COL3A1 (collagen type III alpha 1 chain; plus strand). Cytogenetic location: 2q32.2.
Variant type: single nucleotide variant.
Coding change: c.2247A>G on transcript NM_000090.4 (MANE Select); coding-DNA position 2247, A replaced by G.
Protein change: p.Pro749=; no amino-acid change (proline 749 retained).
Molecular consequence: synonymous variant.
Genome position (GRCh38, 1-based): chr2:188,999,859, A>G. VCF-style: chr2-188999859-A-G. GRCh37 (hg19) VCF-style: chr2-189864585-A-G.
Other names: p.Pro749=.
Identifiers: ClinVar variation 495543 (VCV000495543.13), dbSNP rs1553508706, ClinGen allele CA430310769.

ClinVar aggregate classification (germline): Likely benign. Review status: criteria provided, multiple submitters, no conflicts (2 of 4 stars). 5 submissions from 5 submitters: Likely benign (5). Last evaluated 2025-09-25.

Conditions:
Familial thoracic aortic aneurysm and aortic dissection (TAAD). Also called: Thoracic aortic aneurysms and dissections. Identifiers: Orphanet 91387, MedGen C4707243, MONDO:0019625.
Ehlers-Danlos syndrome, type 4 (EDSVASC). Also called: Ehlers-Danlos syndrome vascular type; Ehlers Danlos syndrome, ecchymotic type; Ehlers Danlos syndrome, arterial type; Ehlers Danlos syndrome, Sack-Barabas type; Ehlers-Danlos Syndrome Type IV. Identifiers: Orphanet 286, MedGen C0268338, MONDO:0017314, OMIM 130050.

Allele frequency attached by ClinVar (database versions not stated): gnomAD exomes below 0.00001; TOPMed below 0.00001.
gnomAD v4.1: 3 of 1,595,762 alleles (0.00019%); highest among the groups gnomAD compares: Non-Finnish European, 0.00026%; no homozygotes.

Submissions (5):

Mayo Clinic Laboratories, Mayo Clinic
Classification: Likely benign. Last evaluated: 2025-09-25. Review status: criteria provided, single submitter. Criteria: ACMG Guidelines, 2015. Collection method: clinical testing. Allele origin: germline. Observed: 1 variant allele.
Comment: BP4, BP7, PM2_supporting

Color Diagnostics, LLC DBA Color Health
Classification: Likely benign for Familial thoracic aortic aneurysm and aortic dissection. Last evaluated: 2024-07-02. Review status: criteria provided, single submitter. Criteria: ACMG Guidelines, 2015. Collection method: clinical testing. Allele origin: germline.

Ambry Genetics
Classification: Likely benign for Familial thoracic aortic aneurysm and aortic dissection. Last evaluated: 2023-10-08. Review status: criteria provided, single submitter. Criteria: Ambry Variant Classification Scheme 2023. Collection method: clinical testing. Allele origin: germline.

Labcorp Genetics (formerly Invitae), Labcorp
Classification: Likely benign for Ehlers-Danlos syndrome, type 4. Last evaluated: 2022-10-31. Review status: criteria provided, single submitter. Criteria: Invitae Variant Classification Sherloc (09022015). Collection method: clinical testing. Allele origin: germline.

Women's Health and Genetics/Laboratory Corporation of America, LabCorp
Classification: Likely benign. Last evaluated: 2019-08-28. Review status: criteria provided, single submitter. Criteria: LabCorp Variant Classification Summary - May 2015. Collection method: clinical testing. Allele origin: germline.